The following is an entry in ClinVar:

ClinVar aggregate classification (germline): Uncertain significance (0 of 4 stars; one submission).

Conditions:
CSMD1-related disorder. Also called: CSMD1-related condition.

gnomAD v4.1: 1 of 1,613,776 alleles (0.000062%); highest among the groups gnomAD compares: Non-Finnish European, 0.000085%; no homozygotes.

Submission:

PreventionGenetics, part of Exact Sciences
Classification: Uncertain significance for CSMD1-related condition. Last evaluated: 2024-03-14. Review status: no assertion criteria provided. Collection method: clinical testing. Allele origin: germline.
Comment: The CSMD1 c.5986A>G variant is predicted to result in the amino acid substitution p.Asn1996Asp. To our knowledge, this variant has not been reported in the literature or in a large population database, indicating this variant is rare. At this time, the clinical significance of this variant is uncertain due to the absence of conclusive functional and genetic evidence.

NM_033225.6(CSMD1):c.5986A>G (p.Asn1996Asp)

Gene: CSMD1 (CUB and Sushi multiple domains 1; minus strand). Cytogenetic location: 8p23.2.
Variant type: single nucleotide variant.
Coding change: c.5986A>G on transcript NM_033225.6 (MANE Select); coding-DNA position 5986, A replaced by G.
Protein change: p.Asn1996Asp; replaces asparagine 1996 with aspartic acid.
Molecular consequence: missense variant.
Genome position (GRCh38, 1-based): chr8:3,151,442, T>C on the plus strand (A>G on the coding strand, the complement: CSMD1 is on the minus strand). VCF-style: chr8-3151442-T-C. GRCh37 (hg19) VCF-style: chr8-3008964-T-C.
Other names: short protein forms N1996D.
Identifiers: ClinVar variation 3349714 (VCV003349714.1).